The following is an entry in ClinVar:

ClinVar aggregate classification (germline): Pathogenic (1 of 4 stars; one submission).

Conditions:
Hereditary cancer-predisposing syndrome. Also called: Hereditary Cancer Syndrome; Neoplastic Syndromes, Hereditary; Tumor predisposition; Hereditary neoplastic syndrome. Identifiers: Orphanet 140162, MedGen C0027672, MeSH D009386, MONDO:0015356.

Submission:

Ambry Genetics
Classification: Pathogenic for Hereditary cancer-predisposing syndrome. Last evaluated: 2025-11-20. Review status: criteria provided, single submitter. Criteria: Ambry Variant Classification Scheme 2023. Collection method: clinical testing. Allele origin: germline.
Comment: The c.6897delC pathogenic mutation, located in coding exon 46 of the ATM gene, results from a deletion of one nucleotide at nucleotide position 6897, causing a translational frameshift with a predicted alternate stop codon (p.W2300Gfs*10). This variant is considered to be rare based on population cohorts in the Genome Aggregation Database (gnomAD). This alteration is expected to result in loss of function by premature protein truncation or nonsense-mediated mRNA decay. As such, this alteration is interpreted as a disease-causing mutation.

NM_000051.4(ATM):c.6897del (p.Trp2300fs)

Genes: ATM (ATM serine/threonine kinase; plus strand), C11orf65 (chromosome 11 open reading frame 65; minus strand). Cytogenetic location: 11q22.3.
Variant type: Deletion.
Coding change: c.6897del on transcript NM_000051.4 (MANE Select); coding-DNA position 6897, one base deleted (C; older notation c.6897delC).
Protein change: p.Trp2300fs; shifts the reading frame from tryptophan 2300.
Molecular consequence: frameshift variant. On other transcripts: intron variant (2).
Genome position (GRCh38, 1-based): chr11:108,326,147, C deleted. VCF-style (leftmost placement, unchanged base first): chr11-108326146-TC-T. GRCh37 (hg19) VCF-style: chr11-108196873-TC-T.
Other names: c.6897del, p.Trp2300fs (NM_001351834.2); c.641-17076del (NM_001330368.2); c.*38+9073del (NM_001351110.2); short protein forms W2300fs.
Identifiers: ClinVar variation 4618172 (VCV004618172.1).